The following is an entry in ClinVar:

ClinVar aggregate classification (germline): Uncertain significance (1 of 4 stars; one submission).

Submission:

Dasa
Classification: Uncertain significance. Last evaluated: 2024-10-21. Review status: criteria provided, single submitter. Criteria: DASA Assertion Criteria. Collection method: clinical testing. Allele origin: germline.
Comment: NM_001142864.4(PIEZO1):c.5162C>G (p.Ser1721Trp) is a missense variant that results in the substitution of serine with tryptophan. This variant has been reported in individuals with PIEZO1-related disorders (PMID: 35646098). Also, this variant is absent from population databases. The currently available literature and clinical evidence are not sufficient to establish a definitive association between this variant and the reported condition. Therefore, this variant is classified as a variant of uncertain significance.

Literature cited by the submitters: PubMed 35646098.

NM_001142864.4(PIEZO1):c.5162C>G (p.Ser1721Trp)

Gene: PIEZO1 (piezo type mechanosensitive ion channel component 1 (Er blood group); minus strand). Cytogenetic location: 16q24.3.
Variant type: single nucleotide variant.
Coding change: c.5162C>G on transcript NM_001142864.4 (MANE Select); coding-DNA position 5162, C replaced by G.
Protein change: p.Ser1721Trp; replaces serine 1721 with tryptophan.
Molecular consequence: missense variant.
Genome position (GRCh38, 1-based): chr16:88,721,860, G>C on the plus strand (C>G on the coding strand, the complement: PIEZO1 is on the minus strand). VCF-style: chr16-88721860-G-C. GRCh37 (hg19) VCF-style: chr16-88788268-G-C.
Other names: short protein forms S1721W.
Identifiers: ClinVar variation 4883253 (VCV004883253.2).